The following is an entry in ClinVar:

NM_018051.5(DYNC2I1):c.226G>T (p.Ala76Ser)

Gene: DYNC2I1 (dynein 2 intermediate chain 1; plus strand). Cytogenetic location: 7q36.3.
Variant type: single nucleotide variant.
Coding change: c.226G>T on transcript NM_018051.5 (MANE Select); coding-DNA position 226, G replaced by T.
Protein change: p.Ala76Ser; replaces alanine 76 with serine.
Molecular consequence: missense variant. On other transcripts: 5 prime UTR variant (4).
Genome position (GRCh38, 1-based): chr7:158,871,298, G>T. VCF-style: chr7-158871298-G-T. GRCh37 (hg19) VCF-style: chr7-158663989-G-T.
Other names: c.88G>T, p.Ala30Ser (NM_001350914.2); c.-292G>T (NM_001350915.2); c.-1133G>T (NM_001350916.2); c.-1141G>T (NM_001350917.2); c.-1260G>T (NM_001350918.2); short protein forms A30S, A76S.
Identifiers: ClinVar variation 3625858 (VCV003625858.2).
Genomic context (GRCh38, chr7:158,871,298, plus strand): 5'-AGGTGCAGGGATCCCGACCAGGATGCCAGGAGCAGAGACAGGGTGGCCGAAGTCCACACC[G>T]CTAAGGAGAGTCCTCGTGGGGAGAGGGACAGAGACAGACAGAGGGAGAGGAGAAGAGACG-3'
Protein context (NP_060521.4, residues 66-86): SRDRVAEVHT[Ala76Ser]KESPRGERDR

ClinVar aggregate classification (germline): Uncertain significance (1 of 4 stars; one submission).

Conditions:
Short-rib thoracic dysplasia 8 with or without polydactyly (SRTD8). Also called: SHORT-RIB THORACIC DYSPLASIA 8 WITH POLYDACTYLY. Identifiers: Orphanet 93271, MedGen C3809691, MONDO:0014214, OMIM 615503.

gnomAD v4.1: 11 of 1,578,562 alleles (0.0007%); highest among the groups gnomAD compares: Non-Finnish European, 0.00095%; no homozygotes.

Submission:

Labcorp Genetics (formerly Invitae), Labcorp
Classification: Uncertain significance for Short-rib thoracic dysplasia 8 with or without polydactyly. Last evaluated: 2024-08-08. Review status: criteria provided, single submitter. Criteria: Invitae Variant Classification Sherloc (09022015). Collection method: clinical testing. Allele origin: germline.
Comment: This sequence change replaces alanine, which is neutral and non-polar, with serine, which is neutral and polar, at codon 76 of the WDR60 protein (p.Ala76Ser). This variant is present in population databases (no rsID available, gnomAD 0.003%). This variant has not been reported in the literature in individuals affected with WDR60-related conditions. An algorithm developed to predict the effect of missense changes on protein structure and function outputs the following: PolyPhen-2: "Benign". The serine amino acid residue is found in multiple mammalian species, which suggests that this missense change does not adversely affect protein function. In summary, the available evidence is currently insufficient to determine the role of this variant in disease. Therefore, it has been classified as a Variant of Uncertain Significance.